The following is an entry in ClinVar:

ClinVar aggregate classification (germline): Uncertain significance. Review status: criteria provided, multiple submitters, no conflicts (2 of 4 stars). 2 submissions from 2 submitters: Uncertain significance (2). Last evaluated 2024-03-13.

Conditions:
Cardiovascular phenotype. Identifiers: MedGen CN230736.

Allele frequency attached by ClinVar (database versions not stated): gnomAD 0.00001; ExAC 0.00002.

Submissions (2):

Women's Health and Genetics/Laboratory Corporation of America, LabCorp
Classification: Uncertain significance. Last evaluated: 2024-03-13. Review status: criteria provided, single submitter. Criteria: LabCorp Variant Classification Summary - May 2015. Collection method: clinical testing. Allele origin: germline.
Comment: Variant summary: TTN c.40742T>C (p.Met13581Thr) results in a non-conservative amino acid change located in the A-band region of the encoded protein sequence. Two of four in-silico tools predict a benign effect of the variant on protein function. The variant allele was found at a frequency of 1.6e-05 in 248146 control chromosomes. The available data on variant occurrences in the general population are insufficient to allow any conclusion about variant significance. To our knowledge, no occurrence of c.40742T>C in individuals affected with Dilated Cardiomyopathy and no experimental evidence demonstrating its impact on protein function have been reported. ClinVar contains an entry for this variant (Variation ID: 1329060). Based on the evidence outlined above, the variant was classified as uncertain significance.

Ambry Genetics
Classification: Uncertain significance for Cardiovascular phenotype. Last evaluated: 2019-02-08. Review status: criteria provided, single submitter. Criteria: Ambry Variant Classification Scheme 2023. Collection method: clinical testing. Allele origin: germline.
Comment: The p.M7084T variant (also known as c.21251T>C), located in coding exon 85 of the TTN gene, results from a T to C substitution at nucleotide position 21251. The methionine at codon 7084 is replaced by threonine, an amino acid with similar properties. This amino acid position is not well conserved in available vertebrate species. In addition, this alteration is predicted to be benign and unknown by PolyPhen and SIFT in silico analyses, respectively. Since supporting evidence is limited at this time, the clinical significance of this alteration remains unclear.

NM_001267550.2(TTN):c.48446T>C (p.Met16149Thr)

Genes: TTN (titin; minus strand), TTN-AS1 (TTN antisense RNA 1; plus strand). Cytogenetic location: 2q31.2.
Variant type: single nucleotide variant.
Coding change: c.48446T>C on transcript NM_001267550.2 (MANE Select); coding-DNA position 48446, T replaced by C.
Protein change: p.Met16149Thr; replaces methionine 16149 with threonine.
Molecular consequence: missense variant.
Genome position (GRCh38, 1-based): chr2:178,615,655, A>G on the plus strand (T>C on the coding strand, the complement: TTN is on the minus strand). VCF-style: chr2-178615655-A-G. GRCh37 (hg19) VCF-style: chr2-179480382-A-G.
Other names: c.43523T>C, p.Met14508Thr (NM_001256850.1); c.21251T>C, p.Met7084Thr (NM_003319.4); c.40742T>C, p.Met13581Thr (NM_133378.4); c.21626T>C, p.Met7209Thr (NM_133432.3); c.21827T>C, p.Met7276Thr (NM_133437.4); short protein forms M13581T, M14508T, M16149T, M7084T, M7209T, M7276T.
Identifiers: ClinVar variation 1329060 (VCV001329060.7), dbSNP rs760582847, ClinGen allele CA1994829.